The following is an entry in ClinVar:

ClinVar aggregate classification (germline): Likely benign (0 of 4 stars; one submission).

Conditions:
RHOBTB2-related disorder. Also called: RHOBTB2-related condition.

Allele frequency attached by ClinVar (database versions not stated): gnomAD 0.00006; ExAC 0.00005; TOPMed 0.00021.
gnomAD v4.1: 65 of 1,551,374 alleles (0.0042%); highest among the groups gnomAD compares: Admixed American, 0.12%; no homozygotes.

Submission:

PreventionGenetics, part of Exact Sciences
Classification: Likely benign for RHOBTB2-related condition. Last evaluated: 2023-01-19. Review status: no assertion criteria provided. Collection method: clinical testing. Allele origin: germline.
Comment: This variant is classified as likely benign based on ACMG/AMP sequence variant interpretation guidelines (Richards et al. 2015 PMID: 25741868, with internal and published modifications).

NM_001160037.2(RHOBTB2):c.8C>A (p.Ala3Glu)

Genes: RHOBTB2 (Rho related BTB domain containing 2; plus strand), RHOBTB2-AS1 (RHOBTB2 antisense RNA 1; minus strand). Cytogenetic location: 8p21.3.
Variant type: single nucleotide variant.
Coding change: c.8C>A on transcript NM_001160037.2; coding-DNA position 8, C replaced by A.
Protein change: p.Ala3Glu; replaces alanine 3 with glutamic acid.
Molecular consequence: missense variant. On other transcripts: intron variant (1).
Genome position (GRCh38, 1-based): chr8:22,995,879, C>A. VCF-style: chr8-22995879-C-A. GRCh37 (hg19) VCF-style: chr8-22853392-C-A.
Other names: c.56+1240C>A (NM_001160036.2); short protein forms A3E.
Identifiers: ClinVar variation 3054504 (VCV003054504.2), dbSNP rs750617453, ClinGen allele CA4672329.
Genomic context (GRCh38, chr8:22,995,879, plus strand): 5'-AGGCCCATGGGGTGGGCTCCGCAGAGGCTGTAGTGTTCCAGGAGAGGGGTGCCATGAAAG[C>A]GCGGTTAGTAGCCTGCAAAGTGTTGAAGGGTAAAGCTGCCTGTGAAGCAAAGGGAAGGTG-3'